The following is an entry in ClinVar:

GRCh37/hg19 18q12.1-12.3(chr18:26595964-38643072)x1

Genes: ASXL3 (ASXL transcriptional regulator 3; plus strand), B4GALT6 (beta-1,4-galactosyltransferase 6; minus strand), CCDC178 (coiled-coil domain containing 178; minus strand), CELF4 (CUGBP Elav-like family member 4; minus strand), DSC1 (desmocollin 1; minus strand) and 32 more. Cytogenetic location: 18q12.1-12.3.
Variant type: copy number loss.
Change: copy number 1 (one copy instead of two) of chr18:26,595,964-38,643,072 (12.05 Mb, GRCh37 coordinates, 1-based), cytogenetic band 18q12.1-12.3.
Identifiers: ClinVar variation 2685618 (VCV002685618.1).

ClinVar aggregate classification (germline): Pathogenic (1 of 4 stars; one submission).

Submission:

Quest Diagnostics Nichols Institute San Juan Capistrano
Classification: Pathogenic. Last evaluated: 2023-02-13. Review status: criteria provided, single submitter. Criteria: ACMG/ClinGen CNV Guidelines, 2019. Collection method: clinical testing. Allele origin: unknown.
Comment: This loss involves several protein-coding genes. Smaller and partially overlapping deletions of this region have been described in individuals with variable features (Barone 2017, Brown 2018, Martinez-Granero 2021, Tenorio 2014). Haploinsufficiency of ASXL3 has been associated with Bainbridge-Ropers syndrome (BRPS; OMIM 615485, Rehm 2015). There are no similar copy number losses of this region in the general populations of the Database of Genomic Variants. Thus, based on gene content and current medical literature, this copy number variant (CNV) is classified as pathogenic. References: Barone et al., Am J Med Genet A. 2017 Jun;173(6):1649-1655. PMID: 28407444 Brown et al., Br J Dermatol. 2018 Jan;178(1):284-285. PMID: 28407214 Martinez-Granero et al., NPJ Genom Med. 2021 Mar 25;6(1):25. PMID: 33767182 Rehm et al., N Engl J Med. 2015 Jun 4;372(23):2235-42. PMID: 26014595 HGNC:29357 Tenorio et al., Hum Mutat. 2014 Dec;35(12):1436-41. PMID: 25196541